The following is an entry in ClinVar:

NM_001164277.2(SLC37A4):c.71A>G (p.Tyr24Cys)

Gene: SLC37A4 (solute carrier family 37 member 4; minus strand). Cytogenetic location: 11q23.3.
Variant type: single nucleotide variant.
Coding change: c.71A>G on transcript NM_001164277.2 (MANE Select); coding-DNA position 71, A replaced by G.
Protein change: p.Tyr24Cys; replaces tyrosine 24 with cysteine.
Molecular consequence: missense variant. On other transcripts: intron variant (1).
Genome position (GRCh38, 1-based): chr11:119,029,299, T>C on the plus strand (A>G on the coding strand, the complement: SLC37A4 is on the minus strand). VCF-style: chr11-119029299-T-C. GRCh37 (hg19) VCF-style: chr11-118900009-T-C.
Other names: c.71A>G, p.Tyr24Cys (NM_001164278.2, NM_001164280.2, NM_001467.6); c.-172+93A>G (NM_001164279.2); short protein forms Y24C.
Identifiers: ClinVar variation 551015 (VCV000551015.5), dbSNP rs569831771, ClinGen allele CA6311920.

ClinVar aggregate classification (germline): Uncertain significance. Review status: criteria provided, single submitter (1 of 4 stars). 2 submissions from 2 submitters: Uncertain significance (1). 1 of the submissions does not count toward it. Last evaluated 2025-01-27.

Conditions:
Glucose-6-phosphate transport defect (GSD1B). Also called: Glycogen Storage Disease Type Ib; GSD Ib. Identifiers: Orphanet 364, Orphanet 79259, MedGen C0268146, MONDO:0009288, OMIM 232220.

Allele frequency attached by ClinVar (database versions not stated): gnomAD 0.00002; gnomAD exomes 0.00003 and 0.00010; ExAC 0.00011; 1000 Genomes Project 0.00020; 1000 Genomes Project 30x 0.00047.

Submissions (2):

Labcorp Genetics (formerly Invitae), Labcorp
Classification: Uncertain significance for Glucose-6-phosphate transport defect. Last evaluated: 2025-01-27. Review status: criteria provided, single submitter. Criteria: Invitae Variant Classification Sherloc (09022015). Collection method: clinical testing. Allele origin: germline.
Comment: This sequence change replaces tyrosine, which is neutral and polar, with cysteine, which is neutral and slightly polar, at codon 24 of the SLC37A4 protein (p.Tyr24Cys). This variant is present in population databases (rs569831771, gnomAD 0.09%). This missense change has been observed in individual(s) with developmental delay and/or neurodevelopmental disorder (PMID: 33057194, 35982159). ClinVar contains an entry for this variant (Variation ID: 551015). Invitae Evidence Modeling of protein sequence and biophysical properties (such as structural, functional, and spatial information, amino acid conservation, physicochemical variation, residue mobility, and thermodynamic stability) indicates that this missense variant is expected to disrupt SLC37A4 protein function with a positive predictive value of 80%. In summary, the available evidence is currently insufficient to determine the role of this variant in disease. Therefore, it has been classified as a Variant of Uncertain Significance.

Counsyl
Classification: Uncertain significance for Glucose-6-phosphate transport defect. Last evaluated: 2017-03-07. Review status: no assertion criteria provided. Collection method: clinical testing. Allele origin: unknown. Not counted in ClinVar's aggregate classification.

Literature cited by the submitters: PubMed 33057194 (cited by Labcorp Genetics (formerly Invitae), Labcorp); PubMed 35982159 (cited by Labcorp Genetics (formerly Invitae), Labcorp).